The following is an entry in ClinVar:

NM_006073.4(TRDN):c.1370-11_1370-10delinsAC

Gene: TRDN (triadin; minus strand). Cytogenetic location: 6q22.31.
Variant type: Indel.
Coding change: c.1370-11_1370-10delinsAC on transcript NM_006073.4 (MANE Select); 11 bases into the intron before coding-DNA position 1370 through 10 bases into the intron before coding-DNA position 1370, CT replaced by AC.
Molecular consequence: intron variant.
Genome position (GRCh38, 1-based): chr6:123,337,679-123,337,680, AG replaced by GT on the plus strand (CT replaced by AC on the coding strand, the reverse complement: TRDN is on the minus strand). VCF-style: chr6-123337679-AG-GT. GRCh37 (hg19) VCF-style: chr6-123658824-AG-GT.
Identifiers: ClinVar variation 408731 (VCV000408731.6), dbSNP rs1060502113, ClinGen allele CA16612006.

ClinVar aggregate classification (germline): Uncertain significance. Review status: criteria provided, multiple submitters, no conflicts (2 of 4 stars). 2 submissions from 2 submitters: Uncertain significance (2). Last evaluated 2024-10-17.

Conditions:
Catecholaminergic polymorphic ventricular tachycardia 1. Also called: VENTRICULAR TACHYCARDIA, CATECHOLAMINERGIC POLYMORPHIC, 1, WITH OR WITHOUT ATRIAL DYSFUNCTION AND/OR DILATED CARDIOMYOPATHY; RYR2-Related Catecholaminergic Polymorphic Ventricular Tachycardia; VENTRICULAR TACHYCARDIA, STRESS-INDUCED POLYMORPHIC 1. Identifiers: Orphanet 3286, MedGen C1631597, MONDO:0011484, OMIM 604772.

Submissions (2):

GeneDx
Classification: Uncertain significance. Last evaluated: 2024-10-17. Review status: criteria provided, single submitter. Criteria: GeneDx Variant Classification Process June 2021. Collection method: clinical testing. Allele origin: germline. Affected: yes.
Comment: Has not been previously published as pathogenic or benign to our knowledge; In silico analysis is inconclusive as to whether the variant alters gene splicing. In the absence of RNA/functional studies, the actual effect of this sequence change is unknown.

Labcorp Genetics (formerly Invitae), Labcorp
Classification: Uncertain significance for Catecholaminergic polymorphic ventricular tachycardia 1. Last evaluated: 2021-08-15. Review status: criteria provided, single submitter. Criteria: Invitae Variant Classification Sherloc (09022015). Collection method: clinical testing. Allele origin: germline.
Comment: This sequence change deletes 2 nucleotides and inserts 2 nucleotides intron 21 of the TRDN gene (c.1370-11_1370-10delCTinsAC). It does not directly change the encoded amino acid sequence of the TRDN protein. This variant is not present in population databases (ExAC no frequency) and has not been reported in the literature in individuals with a TRDN-related disease. Algorithms developed to predict the effect of sequence changes on RNA splicing suggest that this variant may alter RNA splicing, but this prediction has not been confirmed by published transcriptional studies. In summary, this variant is a novel intronic change with uncertain impact on protein splicing. It has been classified as a Variant of Uncertain Significance.